The following is an entry in ClinVar:

ClinVar aggregate classification (germline): Uncertain significance (1 of 4 stars; one submission).

gnomAD v4.1: 2 of 1,612,848 alleles (0.00012%); highest among the groups gnomAD compares: East Asian, 0.0022%; no homozygotes.

Submission:

Labcorp Genetics (formerly Invitae), Labcorp
Classification: Uncertain significance. Last evaluated: 2024-03-27. Review status: criteria provided, single submitter. Criteria: Invitae Variant Classification Sherloc (09022015). Collection method: clinical testing. Allele origin: germline.
Comment: This sequence change replaces alanine, which is neutral and non-polar, with valine, which is neutral and non-polar, at codon 1446 of the CACNA1B protein (p.Ala1446Val). This variant is present in population databases (rs755030668, gnomAD 0.007%). This variant has not been reported in the literature in individuals affected with CACNA1B-related conditions. Advanced modeling of protein sequence and biophysical properties (such as structural, functional, and spatial information, amino acid conservation, physicochemical variation, residue mobility, and thermodynamic stability) has been performed at Invitae for this missense variant, however the output from this modeling did not meet the statistical confidence thresholds required to predict the impact of this variant on CACNA1B protein function. In summary, the available evidence is currently insufficient to determine the role of this variant in disease. Therefore, it has been classified as a Variant of Uncertain Significance.

NM_000718.4(CACNA1B):c.4337C>T (p.Ala1446Val)

Gene: CACNA1B (calcium voltage-gated channel subunit alpha1 B; plus strand). Cytogenetic location: 9q34.3.
Variant type: single nucleotide variant.
Coding change: c.4337C>T on transcript NM_000718.4 (MANE Select); coding-DNA position 4337, C replaced by T.
Protein change: p.Ala1446Val; replaces alanine 1446 with valine.
Molecular consequence: missense variant.
Genome position (GRCh38, 1-based): chr9:138,058,597, C>T. VCF-style: chr9-138058597-C-T. GRCh37 (hg19) VCF-style: chr9-140953049-C-T.
Other names: c.4337C>T, p.Ala1446Val (NM_001243812.2); short protein forms A1446V.
Identifiers: ClinVar variation 3681236 (VCV003681236.2).